The following is an entry in ClinVar:

NM_030928.4(CDT1):c.514C>T (p.Arg172Cys)

Gene: CDT1 (chromatin licensing and DNA replication factor 1; plus strand). Cytogenetic location: 16q24.3.
Variant type: single nucleotide variant.
Coding change: c.514C>T on transcript NM_030928.4 (MANE Select); coding-DNA position 514, C replaced by T.
Protein change: p.Arg172Cys; replaces arginine 172 with cysteine.
Molecular consequence: missense variant.
Genome position (GRCh38, 1-based): chr16:88,805,465, C>T. VCF-style: chr16-88805465-C-T. GRCh37 (hg19) VCF-style: chr16-88871873-C-T.
Other names: short protein forms R172C.
Identifiers: ClinVar variation 128678 (VCV000128678.20), dbSNP rs3218727, ClinGen allele CA230996.

ClinVar aggregate classification (germline): Conflicting classifications of pathogenicity. Review status: criteria provided, conflicting classifications (1 of 4 stars). 5 submissions from 5 submitters: Uncertain significance (3); Likely benign (1). 1 of the submissions does not count toward it. Last evaluated 2025-11-29.

Conditions:
CDT1-related disorder. Also called: CDT1-related condition.
Inborn genetic diseases. Identifiers: MedGen C0950123, MeSH D030342.

Allele frequency attached by ClinVar (database versions not stated): gnomAD exomes 0.00032; ExAC 0.00037; ESP Exome Variant Server 0.00116; gnomAD 0.00118 and 0.00125; 1000 Genomes Project 30x 0.00141; TOPMed 0.00144; 1000 Genomes Project 0.00160.
gnomAD v4.1: 432 of 1,612,792 alleles (0.027%); highest among the groups gnomAD compares: African/African-American, 0.46%; no homozygotes.

Submissions (5):

Labcorp Genetics (formerly Invitae), Labcorp
Classification: Likely benign. Last evaluated: 2025-11-29. Review status: criteria provided, single submitter. Criteria: Invitae Variant Classification Sherloc (09022015). Collection method: clinical testing. Allele origin: germline.

GeneDx
Classification: Uncertain significance. Last evaluated: 2025-01-02. Review status: criteria provided, single submitter. Criteria: GeneDx Variant Classification Process June 2021. Collection method: clinical testing. Allele origin: germline. Affected: yes.
Comment: In silico analysis supports that this missense variant has a deleterious effect on protein structure/function; Has not been previously published as pathogenic or benign to our knowledge

Ambry Genetics
Classification: Uncertain significance for Inborn genetic diseases. Last evaluated: 2024-06-26. Review status: criteria provided, single submitter. Criteria: Ambry Variant Classification Scheme 2023. Collection method: clinical testing. Allele origin: germline.

Genetic Services Laboratory, University of Chicago
Classification: Uncertain significance. Last evaluated: 2014-02-10. Review status: criteria provided, single submitter. Criteria: ACMG Guidelines, 2007. Collection method: clinical testing. Allele origin: germline. Inheritance: Autosomal recessive inheritance.

PreventionGenetics, part of Exact Sciences
Classification: Likely benign for CDT1-related condition. Last evaluated: 2023-04-09. Review status: no assertion criteria provided. Collection method: clinical testing. Allele origin: germline. Not counted in ClinVar's aggregate classification.
Comment: This variant is classified as likely benign based on ACMG/AMP sequence variant interpretation guidelines (Richards et al. 2015 PMID: 25741868, with internal and published modifications).